The following is an entry in ClinVar:

NM_152906.7(TANGO2):c.400A>G (p.Ile134Val)

Gene: TANGO2 (transport and golgi organization 2 homolog; plus strand). Cytogenetic location: 22q11.21.
Variant type: single nucleotide variant.
Coding change: c.400A>G on transcript NM_152906.7 (MANE Select); coding-DNA position 400, A replaced by G.
Protein change: p.Ile134Val; replaces isoleucine 134 with valine.
Molecular consequence: missense variant. On other transcripts: non-coding transcript variant (4), intron variant (11).
Genome position (GRCh38, 1-based): chr22:20,055,962, A>G. VCF-style: chr22-20055962-A-G. GRCh37 (hg19) VCF-style: chr22-20043485-A-G.
Other names: c.106A>G, p.Ile36Val (NM_001322150.2, NM_001322153.2, NM_001322155.2 and 6 more transcripts); c.298A>G, p.Ile100Val (NM_001322160.2, NM_001322146.2, NM_001322148.2); c.400A>G, p.Ile134Val (NM_001283106.3, NM_001283116.3, NM_001283148.3 and 2 more transcripts); c.523A>G, p.Ile175Val (NM_001283129.3, NM_001283215.3, NM_001322141.2 and 2 more transcripts); c.265+3378A>G (NM_001322163.2, NM_001283179.3, NM_001322167.2 and 4 more transcripts); c.388+3378A>G (NM_001322145.2, NM_001322147.2); c.380+2411A>G (NM_001283199.3); c.503+2411A>G (NM_001322149.2); and 1 more; short protein forms I100V, I134V, I175V, I36V.
Identifiers: ClinVar variation 1418265 (VCV001418265.6), dbSNP rs138441779, ClinGen allele CA10106347.
Genomic context (GRCh38, chr22:20,055,962, plus strand): 5'-CCTATGGCTGTAGTCTGACATTCTCTCCCCTTGGCCTGCAGCACAGCAAAGGGAGACGTC[A>G]TTTGCTACTATGGGAACCGAGGGGAGCCTGATCCTATCGTTTTGACGCCAGGTGAGCCTG-3'
Protein context (NP_690870.3, residues 124-144): ADLSTAKGDV[Ile134Val]CYYGNRGEPD

ClinVar aggregate classification (germline): Conflicting classifications of pathogenicity. Review status: criteria provided, conflicting classifications (1 of 4 stars). 4 submissions from 4 submitters: Uncertain significance (2); Likely benign (1). 1 of the submissions does not count toward it. Last evaluated 2025-02-07.

Conditions:
TANGO2-related disorder. Also called: TANGO2-related condition.
Inborn genetic diseases. Identifiers: MedGen C0950123, MeSH D030342.

Allele frequency attached by ClinVar (database versions not stated): gnomAD exomes 0.00004 and 0.00018; ESP Exome Variant Server 0.00008; TOPMed 0.00008; gnomAD 0.00009 and 0.00015; ExAC 0.00021; 1000 Genomes Project 0.00080; 1000 Genomes Project 30x 0.00094.

Submissions (4):

Ambry Genetics
Classification: Likely benign for Inborn genetic diseases. Last evaluated: 2025-02-07. Review status: criteria provided, single submitter. Criteria: Ambry Variant Classification Scheme 2023. Collection method: clinical testing. Allele origin: germline.

Labcorp Genetics (formerly Invitae), Labcorp
Classification: Uncertain significance. Last evaluated: 2022-11-01. Review status: criteria provided, single submitter. Criteria: Invitae Variant Classification Sherloc (09022015). Collection method: clinical testing. Allele origin: germline.
Comment: This sequence change replaces isoleucine, which is neutral and non-polar, with valine, which is neutral and non-polar, at codon 134 of the TANGO2 protein (p.Ile134Val). This variant is present in population databases (rs138441779, gnomAD 0.2%). This variant has not been reported in the literature in individuals affected with TANGO2-related conditions. ClinVar contains an entry for this variant (Variation ID: 1418265). Algorithms developed to predict the effect of missense changes on protein structure and function output the following: SIFT: "Not Available"; PolyPhen-2: "Benign"; Align-GVGD: "Not Available". The valine amino acid residue is found in multiple mammalian species, which suggests that this missense change does not adversely affect protein function. In summary, the available evidence is currently insufficient to determine the role of this variant in disease. Therefore, it has been classified as a Variant of Uncertain Significance.

GeneDx
Classification: Uncertain significance. Last evaluated: 2022-01-11. Review status: criteria provided, single submitter. Criteria: GeneDx Variant Classification Process June 2021. Collection method: clinical testing. Allele origin: germline. Affected: yes.
Comment: In silico analysis supports that this missense variant does not alter protein structure/function; Has not been previously published as pathogenic or benign to our knowledge

PreventionGenetics, part of Exact Sciences
Classification: Likely benign for TANGO2-related condition. Last evaluated: 2024-08-14. Review status: no assertion criteria provided. Collection method: clinical testing. Allele origin: germline. Not counted in ClinVar's aggregate classification.
Comment: This variant is classified as likely benign based on ACMG/AMP sequence variant interpretation guidelines (Richards et al. 2015 PMID: 25741868, with internal and published modifications).